The following is an entry in ClinVar:

ClinVar aggregate classification (germline): Uncertain significance (1 of 4 stars; one submission).

Conditions:
Familial thoracic aortic aneurysm and aortic dissection (TAAD). Also called: Thoracic aortic aneurysms and dissections. Identifiers: Orphanet 91387, MedGen C4707243, MONDO:0019625.

Submission:

All of Us Research Program, National Institutes of Health
Classification: Uncertain significance for Familial thoracic aortic aneurysm and aortic dissection. Last evaluated: 2024-07-10. Review status: criteria provided, single submitter. Criteria: ACMG Guidelines, 2015. Collection method: clinical testing. Allele origin: germline. Inheritance: Autosomal dominant inheritance. Observed: 1 variant allele, 1 heterozygote.
Comment: This missense variant replaces threonine with lysine at codon 1565 of the MYH11 protein. Computational prediction is inconclusive regarding the impact of this variant on protein structure and function. To our knowledge, functional studies have not been reported for this variant. This variant has not been reported in individuals affected with MYH11-related disorders in the literature. This variant has not been identified in the general population by the Genome Aggregation Database (gnomAD). The available evidence is insufficient to determine the role of this variant in disease conclusively. Therefore, this variant is classified as a Variant of Uncertain Significance.

This study involves interpretation of variants in research participants for the purpose of population health screening. Participant phenotype was not available at the time of variant classification. Additional details can be found in publication PMID: 35346344, PMCID: PMC8962531

NM_002474.3(MYH11):c.4673C>A (p.Thr1558Lys)

Genes: MYH11 (myosin heavy chain 11; minus strand), NDE1 (nudE neurodevelopment protein 1; plus strand). Cytogenetic location: 16p13.11.
Variant type: single nucleotide variant.
Coding change: c.4673C>A on transcript NM_002474.3 (MANE Select); coding-DNA position 4673, C replaced by A.
Protein change: p.Thr1558Lys; replaces threonine 1558 with lysine.
Molecular consequence: missense variant. On other transcripts: intron variant (2).
Genome position (GRCh38, 1-based): chr16:15,720,957, G>T on the plus strand (C>A on the coding strand, the complement: MYH11 is on the minus strand). VCF-style: chr16-15720957-G-T. GRCh37 (hg19) VCF-style: chr16-15814814-G-T.
Other names: c.4694C>A, p.Thr1565Lys (NM_001040113.2, NM_001040114.2); c.4673C>A, p.Thr1558Lys (NM_022844.3); c.948-3234G>T (NM_001143979.2, NM_017668.3); short protein forms T1558K, T1565K.
Identifiers: ClinVar variation 3387176 (VCV003387176.1).
Genomic context (GRCh38, chr16:15,720,957, plus strand): 5'-CTTTCGAACTGGCCCTTGAGCGCCTGCATGTTGACTTCCAGCCGCAGTTTGGCGTCCTCC[G>T]TGGCTTGCAGCTCGTCCTCCAGCTCTTCCAGCTGCGTCTTCATCTCCTCCATCTGGGTCT-3'
Protein context (NP_002465.1, residues 1548-1568): LEELEDELQA[Thr1558Lys]EDAKLRLEVN